The following is an entry in ClinVar:

ClinVar aggregate classification (germline): Likely benign. Review status: criteria provided, multiple submitters, no conflicts (2 of 4 stars). 3 submissions from 3 submitters: Likely benign (2). 1 of the submissions does not count toward it. Last evaluated 2026-01-19.

Conditions:
TTN-related disorder. Also called: TTN-related condition; TTN-related disease; TTN-related disorders.
Autosomal recessive limb-girdle muscular dystrophy type 2J (LGMDR10). Also called: Limb-girdle muscular dystrophy, type 2J; MUSCULAR DYSTROPHY, LIMB-GIRDLE, AUTOSOMAL RECESSIVE 10. Identifiers: Orphanet 140922, MedGen C1837342, MONDO:0012127, OMIM 608807.
Dilated cardiomyopathy 1G (CMD1G). Identifiers: Orphanet 154, MedGen C1858763, MONDO:0011400, OMIM 604145.

Allele frequency attached by ClinVar (database versions not stated): ESP Exome Variant Server 0.00008.
gnomAD v4.1: 5 of 1,613,482 alleles (0.00031%); highest among the groups gnomAD compares: South Asian, 0.0022%; no homozygotes.

Submissions (3):

Labcorp Genetics (formerly Invitae), Labcorp
Classification: Likely benign for Dilated cardiomyopathy 1G; Autosomal recessive limb-girdle muscular dystrophy type 2J. Last evaluated: 2026-01-19. Review status: criteria provided, single submitter. Criteria: Invitae Variant Classification Sherloc (09022015). Collection method: clinical testing. Allele origin: germline.

CeGaT Center for Human Genetics Tuebingen
Classification: Likely benign. Last evaluated: 2024-11-01. Review status: criteria provided, single submitter. Criteria: CeGaT Center For Human Genetics Tuebingen Variant Classification Criteria Version 2. Collection method: clinical testing. Allele origin: germline. Affected: yes. Observed: 1 variant allele.
Comment: TTN: BP4, BP7

PreventionGenetics, part of Exact Sciences
Classification: Likely benign for TTN-related condition. Last evaluated: 2019-03-12. Review status: no assertion criteria provided. Collection method: clinical testing. Allele origin: germline. Not counted in ClinVar's aggregate classification.
Comment: This variant is classified as likely benign based on ACMG/AMP sequence variant interpretation guidelines (Richards et al. 2015 PMID: 25741868, with internal and published modifications).

NM_001267550.2(TTN):c.70230C>T (p.Thr23410=)

Genes: TTN (titin; minus strand), TTN-AS1 (TTN antisense RNA 1; plus strand), LOC126806422 (BRD4-independent group 4 enhancer GRCh37_chr2:179440205-179441404; plus strand). Cytogenetic location: 2q31.2.
Variant type: single nucleotide variant.
Coding change: c.70230C>T on transcript NM_001267550.2 (MANE Select); coding-DNA position 70230, C replaced by T.
Protein change: p.Thr23410=; no amino-acid change (threonine 23410 retained).
Molecular consequence: synonymous variant.
Genome position (GRCh38, 1-based): chr2:178,575,902, G>A on the plus strand (C>T on the coding strand, the complement: TTN is on the minus strand). VCF-style: chr2-178575902-G-A. GRCh37 (hg19) VCF-style: chr2-179440629-G-A.
Other names: c.65307C>T, p.Thr21769= (NM_001256850.1); c.43035C>T, p.Thr14345= (NM_003319.4); c.62526C>T, p.Thr20842= (NM_133378.4); c.43410C>T, p.Thr14470= (NM_133432.3); c.43611C>T, p.Thr14537= (NM_133437.4).
Identifiers: ClinVar variation 1615894 (VCV001615894.23), dbSNP rs370698218, ClinGen allele CA61003400.